The following is an entry in ClinVar:

ClinVar aggregate classification (germline): Uncertain significance. Review status: criteria provided, multiple submitters, no conflicts (2 of 4 stars). 3 submissions from 3 submitters: Uncertain significance (3). Last evaluated 2024-04-11.

Conditions:
Orofaciodigital syndrome type 6 (OFD6). Also called: OROFACIODIGITAL SYNDROME VI; OFDS VI; POLYDACTYLY, CLEFT LIP/PALATE OR LINGUAL LUMP, AND PSYCHOMOTOR RETARDATION; VARADI SYNDROME; VARADI-PAPP SYNDROME; Oral-facial-digital syndrome type 6. Identifiers: Orphanet 2754, MedGen C2745997, MONDO:0010176, OMIM 277170.
Joubert syndrome 17 (JBTS17). Identifiers: Orphanet 475, MedGen C3553264, MONDO:0013824, OMIM 614615.

Allele frequency attached by ClinVar (database versions not stated): gnomAD 0.00001; TOPMed 0.00004; 1000 Genomes Project 30x 0.00016; 1000 Genomes Project 0.00020.
gnomAD v4.1: 2 of 1,614,050 alleles (0.00012%); highest among the groups gnomAD compares: Admixed American, 0.0033%; no homozygotes.

Submissions (3):

Fulgent Genetics
Classification: Uncertain significance for Orofaciodigital syndrome type 6; Joubert syndrome 17. Last evaluated: 2024-04-11. Review status: criteria provided, single submitter. Criteria: ACMG Guidelines, 2015. Collection method: clinical testing. Allele origin: germline.

Labcorp Genetics (formerly Invitae), Labcorp
Classification: Uncertain significance. Last evaluated: 2022-07-19. Review status: criteria provided, single submitter. Criteria: Invitae Variant Classification Sherloc (09022015). Collection method: clinical testing. Allele origin: germline.
Comment: This sequence change replaces asparagine, which is neutral and polar, with lysine, which is basic and polar, at codon 2971 of the CPLANE1 protein (p.Asn2971Lys). This variant is not present in population databases (gnomAD no frequency). This variant has not been reported in the literature in individuals affected with CPLANE1-related conditions. ClinVar contains an entry for this variant (Variation ID: 1052980). Advanced modeling of protein sequence and biophysical properties (such as structural, functional, and spatial information, amino acid conservation, physicochemical variation, residue mobility, and thermodynamic stability) performed at Invitae indicates that this missense variant is not expected to disrupt CPLANE1 protein function. In summary, the available evidence is currently insufficient to determine the role of this variant in disease. Therefore, it has been classified as a Variant of Uncertain Significance.

GeneDx
Classification: Uncertain significance. Last evaluated: 2022-02-04. Review status: criteria provided, single submitter. Criteria: GeneDx Variant Classification Process June 2021. Collection method: clinical testing. Allele origin: germline. Affected: yes.
Comment: Not observed at significant frequency in large population cohorts (gnomAD); In silico analysis supports that this missense variant has a deleterious effect on protein structure/function; Has not been previously published as pathogenic or benign to our knowledge

NM_001384732.1(CPLANE1):c.9075T>A (p.Asn3025Lys)

Gene: CPLANE1 (ciliogenesis and planar polarity effector complex subunit 1; minus strand). Cytogenetic location: 5p13.2.
Variant type: single nucleotide variant.
Coding change: c.9075T>A on transcript NM_001384732.1 (MANE Select); coding-DNA position 9075, T replaced by A.
Protein change: p.Asn3025Lys; replaces asparagine 3025 with lysine.
Molecular consequence: missense variant.
Genome position (GRCh38, 1-based): chr5:37,121,727, A>T on the plus strand (T>A on the coding strand, the complement: CPLANE1 is on the minus strand). VCF-style: chr5-37121727-A-T. GRCh37 (hg19) VCF-style: chr5-37121829-A-T.
Other names: c.8913T>A, p.Asn2971Lys (NM_023073.4); short protein forms N2971K, N3025K.
Identifiers: ClinVar variation 1052980 (VCV001052980.6), dbSNP rs573500656, ClinGen allele CA117056523.
Genomic context (GRCh38, chr5:37,121,727, plus strand): 5'-TTTGTTAGGCAATGGTTTCTGTGGTAGAGTTGGTAGCTGTACTGACTCAGATAACAGTTC[A>T]TTCATCAGACCGTACGCTTGTGAGATTCGACGACTATAGTGTTCAGAGAGCAGCAATCTG-3'
Protein context (NP_001371661.1, residues 3015-3035): RRISQAYGLM[Asn3025Lys]ELLSESVQLP